The following is an entry in ClinVar:

NM_000428.3(LTBP2):c.4061C>T (p.Ala1354Val)

Gene: LTBP2 (latent transforming growth factor beta binding protein 2; minus strand). Cytogenetic location: 14q24.3.
Variant type: single nucleotide variant.
Coding change: c.4061C>T on transcript NM_000428.3 (MANE Select); coding-DNA position 4061, C replaced by T.
Protein change: p.Ala1354Val; replaces alanine 1354 with valine.
Molecular consequence: missense variant.
Genome position (GRCh38, 1-based): chr14:74,506,164, G>A on the plus strand (C>T on the coding strand, the complement: LTBP2 is on the minus strand). VCF-style: chr14-74506164-G-A. GRCh37 (hg19) VCF-style: chr14-74972867-G-A.
Other names: c.4061C>T (NM_000428.2); short protein forms A1354V.
Identifiers: ClinVar variation 1356685 (VCV001356685.5), dbSNP rs746261739, ClinGen allele CA7268883.

ClinVar aggregate classification (germline): Uncertain significance. Review status: criteria provided, multiple submitters, no conflicts (2 of 4 stars). 2 submissions from 2 submitters: Uncertain significance (2). Last evaluated 2025-04-18.

Conditions:
Inborn genetic diseases. Identifiers: MedGen C0950123, MeSH D030342.

Allele frequency attached by ClinVar (database versions not stated): gnomAD exomes 0.00001; ExAC 0.00002; gnomAD 0.00006; TOPMed 0.00005.
gnomAD v4.1: 25 of 1,613,740 alleles (0.0015%); highest among the groups gnomAD compares: Admixed American, 0.0083%; no homozygotes.

Submissions (2):

Ambry Genetics
Classification: Uncertain significance for Inborn genetic diseases. Last evaluated: 2025-04-18. Review status: criteria provided, single submitter. Criteria: Ambry Variant Classification Scheme 2023. Collection method: clinical testing. Allele origin: germline.

Labcorp Genetics (formerly Invitae), Labcorp
Classification: Uncertain significance. Last evaluated: 2022-05-15. Review status: criteria provided, single submitter. Criteria: Invitae Variant Classification Sherloc (09022015). Collection method: clinical testing. Allele origin: germline.
Comment: This sequence change replaces alanine, which is neutral and non-polar, with valine, which is neutral and non-polar, at codon 1354 of the LTBP2 protein (p.Ala1354Val). This variant is present in population databases (rs746261739, gnomAD 0.006%). This variant has not been reported in the literature in individuals affected with LTBP2-related conditions. Algorithms developed to predict the effect of missense changes on protein structure and function are either unavailable or do not agree on the potential impact of this missense change (SIFT: "Deleterious"; PolyPhen-2: "Possibly Damaging"; Align-GVGD: "Class C0"). In summary, the available evidence is currently insufficient to determine the role of this variant in disease. Therefore, it has been classified as a Variant of Uncertain Significance.